The following is an entry in ClinVar:

ClinVar aggregate classification (germline): Uncertain significance (1 of 4 stars; one submission).

Conditions:
Evans syndrome, immunodeficiency, and premature immunosenescence associated with tripeptidyl-peptidase II deficiency. Identifiers: MedGen CN231723. Disease mechanism: loss of function.

Allele frequency attached by ClinVar (database versions not stated): gnomAD exomes below 0.00001.
gnomAD v4.1: 5 of 1,613,878 alleles (0.00031%); highest among the groups gnomAD compares: Non-Finnish European, 0.00042%; no homozygotes.

Submission:

Labcorp Genetics (formerly Invitae), Labcorp
Classification: Uncertain significance for Evans syndrome, immunodeficiency, and premature immunosenescence associated with tripeptidyl-peptidase II deficiency. Last evaluated: 2020-11-20. Review status: criteria provided, single submitter. Criteria: Invitae Variant Classification Sherloc (09022015). Collection method: clinical testing. Allele origin: germline.
Comment: In summary, the available evidence is currently insufficient to determine the role of this variant in disease. Therefore, it has been classified as a Variant of Uncertain Significance. This sequence change replaces arginine with cysteine at codon 772 of the TPP2 protein (p.Arg772Cys). The arginine residue is highly conserved and there is a large physicochemical difference between arginine and cysteine. This variant is not present in population databases (ExAC no frequency). This variant has not been reported in the literature in individuals with TPP2-related conditions. Algorithms developed to predict the effect of missense changes on protein structure and function are either unavailable or do not agree on the potential impact of this missense change (SIFT: "Deleterious"; PolyPhen-2: "Benign"; Align-GVGD: "Class C15").

NM_001330588.2(TPP2):c.2314C>T (p.Arg772Cys)

Gene: TPP2 (tripeptidyl peptidase 2; plus strand). Cytogenetic location: 13q33.1.
Variant type: single nucleotide variant.
Coding change: c.2314C>T on transcript NM_001330588.2 (MANE Select); coding-DNA position 2314, C replaced by T.
Protein change: p.Arg772Cys; replaces arginine 772 with cysteine.
Molecular consequence: missense variant. On other transcripts: non-coding transcript variant (1).
Genome position (GRCh38, 1-based): chr13:102,644,930, C>T. VCF-style: chr13-102644930-C-T. GRCh37 (hg19) VCF-style: chr13-103297280-C-T.
Other names: c.2314C>T, p.Arg772Cys (NM_001367947.1, NM_003291.4); short protein forms R772C.
Identifiers: ClinVar variation 1016971 (VCV001016971.8), dbSNP rs200612094, ClinGen allele CA255164588.
Genomic context (GRCh38, chr13:102,644,930, plus strand): 5'-AGTAAAGTTTGAGAAAGTAATTTGAGAAATCCTTTGTAGCATGCATCGGAAGGAATCAAC[C>T]GCTTTGATGTTCAGTCCTCCTTGAAATACGAAGATCTGGCTCCCTGCATAACTTTGAAGA-3'
Protein context (NP_001317517.1, residues 762-782): LNIHASEGIN[Arg772Cys]FDVQSSLKYE